The following is an entry in ClinVar:

ClinVar aggregate classification (germline): Uncertain significance. Review status: criteria provided, multiple submitters, no conflicts (2 of 4 stars). 3 submissions from 3 submitters: Uncertain significance (3). Last evaluated 2025-12-01.

Conditions:
RAI1-related disorder. Also called: RAI1-related condition.
Inborn genetic diseases. Identifiers: MedGen C0950123, MeSH D030342.

Allele frequency attached by ClinVar (database versions not stated): gnomAD exomes below 0.00001; gnomAD 0.00001; TOPMed 0.00001.
gnomAD v4.1: 2 of 1,613,928 alleles (0.00012%); highest among the groups gnomAD compares: African/African-American, 0.0027%; no homozygotes.

Submissions (3):

PreventionGenetics, part of Exact Sciences
Classification: Uncertain significance for RAI1-related condition. Last evaluated: 2025-12-01. Review status: criteria provided, single submitter. Criteria: ACMG Guidelines, 2015. Collection method: clinical testing. Allele origin: germline.
Comment: The RAI1 c.4170G>C variant is predicted to result in the amino acid substitution p.Lys1390Asn. To our knowledge, this variant has not been reported in the literature or in a large population database (gnomAD), indicating this variant is rare. At this time, the clinical significance of this variant is uncertain due to the absence of conclusive functional and genetic evidence.

Ambry Genetics
Classification: Uncertain significance for Inborn genetic diseases. Last evaluated: 2024-12-28. Review status: criteria provided, single submitter. Criteria: Ambry Variant Classification Scheme 2023. Collection method: clinical testing. Allele origin: germline.

Labcorp Genetics (formerly Invitae), Labcorp
Classification: Uncertain significance. Last evaluated: 2022-11-06. Review status: criteria provided, single submitter. Criteria: Invitae Variant Classification Sherloc (09022015). Collection method: clinical testing. Allele origin: germline.
Comment: In summary, the available evidence is currently insufficient to determine the role of this variant in disease. Therefore, it has been classified as a Variant of Uncertain Significance. Advanced modeling of protein sequence and biophysical properties (such as structural, functional, and spatial information, amino acid conservation, physicochemical variation, residue mobility, and thermodynamic stability) performed at Invitae indicates that this missense variant is not expected to disrupt RAI1 protein function. This variant has not been reported in the literature in individuals affected with RAI1-related conditions. This variant is not present in population databases (gnomAD no frequency). This sequence change replaces lysine, which is basic and polar, with asparagine, which is neutral and polar, at codon 1390 of the RAI1 protein (p.Lys1390Asn).

NM_030665.4(RAI1):c.4170G>C (p.Lys1390Asn)

Gene: RAI1 (retinoic acid induced 1; plus strand). Cytogenetic location: 17p11.2.
Variant type: single nucleotide variant.
Coding change: c.4170G>C on transcript NM_030665.4 (MANE Select); coding-DNA position 4170, G replaced by C.
Protein change: p.Lys1390Asn; replaces lysine 1390 with asparagine.
Molecular consequence: missense variant.
Genome position (GRCh38, 1-based): chr17:17,797,118, G>C. VCF-style: chr17-17797118-G-C. GRCh37 (hg19) VCF-style: chr17-17700432-G-C.
Other names: c.4170G>C (NM_030665.3); short protein forms K1390N.
Identifiers: ClinVar variation 2917139 (VCV002917139.5), dbSNP rs2032287891, ClinGen allele CA398555860.